The following is an entry in ClinVar:

ClinVar aggregate classification (germline): Likely benign. Review status: criteria provided, multiple submitters, no conflicts (2 of 4 stars). 2 submissions from 2 submitters: Likely benign (2). Last evaluated 2026-01-18.

Conditions:
Combined oxidative phosphorylation defect type 17. Also called: Combined oxidative phosphorylation deficiency 17. Identifiers: Orphanet 369913, MedGen C3809526, MONDO:0014190, OMIM 615440.

Allele frequency attached by ClinVar (database versions not stated): TOPMed 0.00010.
gnomAD v4.1: 279 of 1,614,030 alleles (0.017%); highest among the groups gnomAD compares: Non-Finnish European, 0.022%; 1 homozygote.

Submissions (2):

Labcorp Genetics (formerly Invitae), Labcorp
Classification: Likely benign for Combined oxidative phosphorylation defect type 17. Last evaluated: 2026-01-18. Review status: criteria provided, single submitter. Criteria: Invitae Variant Classification Sherloc (09022015). Collection method: clinical testing. Allele origin: germline.

GeneDx
Classification: Likely benign. Last evaluated: 2016-06-17. Review status: criteria provided, single submitter. Criteria: GeneDx Variant Classification (06012015). Collection method: clinical testing. Allele origin: germline. Affected: yes.
Comment: This variant is considered likely benign or benign based on one or more of the following criteria: it is a conservative change, it occurs at a poorly conserved position in the protein, it is predicted to be benign by multiple in silico algorithms, and/or has population frequency not consistent with disease.

NM_018127.7(ELAC2):c.1908+16G>A

Gene: ELAC2 (elaC ribonuclease Z 2; minus strand). Cytogenetic location: 17p12.
Variant type: single nucleotide variant.
Coding change: c.1908+16G>A on transcript NM_018127.7 (MANE Select); 16 bases into the intron after coding-DNA position 1908, G replaced by A.
Molecular consequence: intron variant.
Genome position (GRCh38, 1-based): chr17:12,994,947, C>T on the plus strand (G>A on the coding strand, the complement: ELAC2 is on the minus strand). VCF-style: chr17-12994947-C-T. GRCh37 (hg19) VCF-style: chr17-12898264-C-T.
Other names: c.1788+16G>A (NM_001165962.2); c.1905+16G>A (NM_173717.2).
Identifiers: ClinVar variation 386604 (VCV000386604.8), dbSNP rs773964699, ClinGen allele CA8401020.